The following is an entry in ClinVar:

NM_000135.4(FANCA):c.3240-2A>G

Gene: FANCA (FA complementation group A; minus strand). Cytogenetic location: 16q24.3.
Variant type: single nucleotide variant.
Coding change: c.3240-2A>G on transcript NM_000135.4 (MANE Select); the canonical splice acceptor site of the intron before coding-DNA position 3240, A replaced by G.
Molecular consequence: splice acceptor variant.
Genome position (GRCh38, 1-based): chr16:89,748,769, T>C on the plus strand (A>G on the coding strand, the complement: FANCA is on the minus strand). VCF-style: chr16-89748769-T-C. GRCh37 (hg19) VCF-style: chr16-89815177-T-C.
Other names: c.3240-2A>G (NM_001286167.3).
Identifiers: ClinVar variation 974345 (VCV000974345.1), dbSNP rs2038478110, ClinGen allele CA397486410.

ClinVar aggregate classification (germline): Likely pathogenic (0 of 4 stars; one submission).

Conditions:
Fanconi anemia complementation group A (FANCA). Also called: Fanconi anemia, group A; FANCA-Related Fanconi Anemia. Identifiers: Orphanet 84, MedGen C3469521, MONDO:0009215, OMIM 227650.

Submission:

Leiden Open Variation Database
Classification: Likely pathogenic for Fanconi anemia complementation group A. Last evaluated: 2020-02-28. Review status: no assertion criteria provided. Collection method: curation. Allele origin: germline. Affected: yes.
Comment: Curator: Arleen D. Auerbach. Submitter to LOVD: Arleen D. Auerbach.